The following is an entry in ClinVar:

ClinVar aggregate classification (germline): Uncertain significance (1 of 4 stars; one submission).

Conditions:
Wilms tumor 1 (WT1). Also called: Wilms tumor, somatic. Identifiers: Orphanet 654, MedGen CN033288, MONDO:0008679, OMIM 194070.

Allele frequency attached by ClinVar (database versions not stated): gnomAD 0.00001.
gnomAD v4.1: 1 of 1,173,637 alleles (0.000085%); highest among the groups gnomAD compares: African/African-American, 0.0018%; no homozygotes.

Submission:

Labcorp Genetics (formerly Invitae), Labcorp
Classification: Uncertain significance for Wilms tumor 1. Last evaluated: 2022-06-16. Review status: criteria provided, single submitter. Criteria: Invitae Variant Classification Sherloc (09022015). Collection method: clinical testing. Allele origin: germline.
Comment: This sequence change replaces threonine, which is neutral and polar, with serine, which is neutral and polar, at codon 7 of the GPC3 protein (p.Thr7Ser). In summary, the available evidence is currently insufficient to determine the role of this variant in disease. Therefore, it has been classified as a Variant of Uncertain Significance. Algorithms developed to predict the effect of missense changes on protein structure and function output the following: SIFT: "Tolerated"; PolyPhen-2: "Benign"; Align-GVGD: "Class C0". The serine amino acid residue is found in multiple mammalian species, which suggests that this missense change does not adversely affect protein function. This variant has not been reported in the literature in individuals affected with GPC3-related conditions. This variant is present in population databases (no rsID available, gnomAD 0.02%).

NM_004484.4(GPC3):c.19A>T (p.Thr7Ser)

Gene: GPC3 (glypican 3; minus strand). Cytogenetic location: Xq26.2.
Variant type: single nucleotide variant.
Coding change: c.19A>T on transcript NM_004484.4 (MANE Select); coding-DNA position 19, A replaced by T.
Protein change: p.Thr7Ser; replaces threonine 7 with serine.
Molecular consequence: missense variant.
Genome position (GRCh38, 1-based): chrX:133,985,431, T>A on the plus strand (A>T on the coding strand, the complement: GPC3 is on the minus strand). VCF-style: chrX-133985431-T-A. GRCh37 (hg19) VCF-style: chrX-133119458-T-A.
Other names: c.19A>T, p.Thr7Ser (NM_001164617.2, NM_001164618.2, NM_001164619.2); short protein forms T7S.
Identifiers: ClinVar variation 2124666 (VCV002124666.4), dbSNP rs773144223, ClinGen allele CA414707210.